The following is an entry in ClinVar:

NM_001146079.2(CLDN14):c.254T>A (p.Val85Asp)

Genes: CLDN14 (claudin 14; minus strand), CLDN14-AS1 (CLDN14 antisense RNA 1; plus strand). Cytogenetic location: 21q22.13.
Variant type: single nucleotide variant.
Coding change: c.254T>A on transcript NM_001146079.2 (MANE Select); coding-DNA position 254, T replaced by A.
Protein change: p.Val85Asp; replaces valine 85 with aspartic acid.
Molecular consequence: missense variant.
Genome position (GRCh38, 1-based): chr21:36,461,442, A>T on the plus strand (T>A on the coding strand, the complement: CLDN14 is on the minus strand). VCF-style: chr21-36461442-A-T. GRCh37 (hg19) VCF-style: chr21-37833740-A-T.
Other names: c.254T>A, p.Val85Asp (NM_012130.4, NM_001146077.2, NM_001146078.3 and 1 more transcripts); c.254T>A (NM_001146077.1); short protein forms V85D.
Identifiers: ClinVar variation 4851 (VCV000004851.4), dbSNP rs74315437, ClinGen allele CA117103.

ClinVar aggregate classification (germline): Pathogenic. Review status: criteria provided, multiple submitters, no conflicts (2 of 4 stars). 5 submissions from 5 submitters: Pathogenic (2). 3 of the submissions do not count toward it. Last evaluated 2025-08-22.

Conditions:
CLDN14-related disorder. Also called: CLDN14-related condition.
Hearing loss, autosomal recessive. Also called: Rare autosomal recessive non-syndromic sensorineural deafness type DFNB; Autosomal recessive nonsyndromic deafness; Deafness, autosomal recessive; Nonsyndromic Hearing Loss, Recessive. Identifiers: Orphanet 90635, Orphanet 90636, MedGen C1846647, MONDO:0019588, OMIM 607197.
Autosomal recessive nonsyndromic hearing loss 29. Identifiers: Orphanet 90636, MedGen C3279660, MONDO:0013537, OMIM 614035.
Hearing impairment. Also called: Impaired Hearing. Identifiers: MedGen C1384666, MONDO:0005365, HP:0000365.

Allele frequency attached by ClinVar (database versions not stated): gnomAD below 0.00001 and 0.00001; ExAC 0.00001.
gnomAD v4.1: 16 of 1,613,198 alleles (0.00099%); highest among the groups gnomAD compares: South Asian, 0.018%; no homozygotes.

Submissions (5):

PreventionGenetics, part of Exact Sciences
Classification: Pathogenic for CLDN14-related condition. Last evaluated: 2025-08-22. Review status: criteria provided, single submitter. Criteria: ACMG Guidelines, 2015. Collection method: clinical testing. Allele origin: germline.
Comment: The CLDN14 c.254T>A variant is predicted to result in the amino acid substitution p.Val85Asp. This variant has been reported as causative for autosomal recessive deafness, segregating with affected status in several large multigenerational families (Wilcox et al 2001. PubMed ID: 11163249; Bashir et al 2010. PubMed ID: 20811388; Bashir et al 2012. PubMed ID: 23235333; Faridi et al 2016. PubMed ID: 27629923). This variant is reported in 0.016% of alleles in individuals of South Asian descent in gnomAD. This variant is interpreted as pathogenic.

3billion
Classification: Pathogenic for Autosomal recessive nonsyndromic hearing loss 29. Last evaluated: 2022-05-22. Review status: criteria provided, single submitter. Criteria: ACMG Guidelines, 2015. Collection method: clinical testing. Allele origin: germline. Affected: yes. Observed: 1 homozygote.
Comment: The variant was co-segregated with Deafness, autosomal recessive 29 in multiple affected family members with additional meioses meeting strong evidence levels (PMID: 11163249). In silico prediction tools and conservation analysis predicted that this variant was probably damaging to the protein structure/function (REVEL: 0.947>=0.6, 3CNET: 0.755>=0.75). A missense variant is a common mechanism associated with Deafness, autosomal recessive 29. It has been reported with an extremely low frequency in the gnomAD v2.1.1 dataset. Amino acid change identical to known pathogenic variant has been previously reported with supporting evidence (ClinVar ID: VCV000004851, PMID:11163249). Therefore, this variant is classified as pathogenic according to the recommendation of ACMG/AMP guideline.

Laboratory of Molecular Genetics, National Institutes of Health
Classification: Pathogenic for Deafness. Last evaluated: 2016-08-30. Review status: no assertion criteria provided. Collection method: research. Allele origin: germline. Affected: yes. Not counted in ClinVar's aggregate classification.

OMIM
Classification: Pathogenic for DEAFNESS, AUTOSOMAL RECESSIVE 29. Last evaluated: 2012-02-01. Review status: no assertion criteria provided. Collection method: literature only. Allele origin: germline. Not counted in ClinVar's aggregate classification.

University of Washington Center for Mendelian Genomics, University of Washington
Classification: Likely pathogenic for non-syndromic autosomal recessive hearing loss. Review status: no assertion criteria provided. Collection method: research. Allele origin: inherited. Affected: yes. Not counted in ClinVar's aggregate classification.

Literature cited by the submitters: PubMed 11163249 (cited by 3billion and OMIM); PubMed 15880785 (cited by OMIM); PubMed 22246673 (cited by OMIM); PubMed 30303587 (cited by University of Washington Center for Mendelian Genomics, University of Washington).